The following is an entry in ClinVar:

ClinVar aggregate classification (germline): Benign/Likely benign. Review status: criteria provided, multiple submitters, no conflicts (2 of 4 stars). 11 submissions from 11 submitters: Benign (1); Likely benign (10). Last evaluated 2026-04-01.

Conditions:
Hereditary nonpolyposis colorectal neoplasms. Identifiers: MedGen C0009405, MeSH D003123.
Hereditary cancer-predisposing syndrome. Also called: Neoplastic Syndromes, Hereditary; Hereditary Cancer Syndrome; Tumor predisposition; Hereditary neoplastic syndrome. Identifiers: Orphanet 140162, MedGen C0027672, MeSH D009386, MONDO:0015356.
Lynch syndrome. Identifiers: Orphanet 144, MedGen C4552100, MONDO:0005835. Disease mechanism: loss of function.
Lynch syndrome 5 (LYNCH5). Also called: Colorectal cancer, hereditary nonpolyposis, type 5; Hereditary non-polyposis colorectal cancer, type 5. Identifiers: Orphanet 144, MedGen C1833477, MONDO:0013710, OMIM 614350. Disease mechanism: loss of function.

Allele frequency attached by ClinVar (database versions not stated): gnomAD exomes below 0.00001; TOPMed 0.00001.
gnomAD v4.1: 10 of 1,614,048 alleles (0.00062%); highest among the groups gnomAD compares: Non-Finnish European, 0.00085%; no homozygotes.

Submissions (11):

CeGaT Center for Human Genetics Tuebingen
Classification: Likely benign. Last evaluated: 2026-04-01. Review status: criteria provided, single submitter. Criteria: CeGaT Center For Human Genetics Tuebingen Variant Classification Criteria Version 2. Collection method: clinical testing. Allele origin: germline. Affected: yes. Observed: 1 variant allele.
Comment: MSH6: BP4, BP7

Labcorp Genetics (formerly Invitae), Labcorp
Classification: Likely benign for Hereditary nonpolyposis colorectal neoplasms. Last evaluated: 2025-07-31. Review status: criteria provided, single submitter. Criteria: Invitae Variant Classification Sherloc (09022015). Collection method: clinical testing. Allele origin: germline.

ARUP Laboratories, Molecular Genetics and Genomics, ARUP Laboratories
Classification: Likely benign. Last evaluated: 2025-05-26. Review status: criteria provided, single submitter. Criteria: ARUP Molecular Germline Variant Investigation Process 2024. Collection method: clinical testing. Allele origin: germline.

Myriad Genetics, Inc.
Classification: Benign for Lynch syndrome 5. Last evaluated: 2025-01-02. Review status: criteria provided, single submitter. Criteria: Myriad Autosomal Dominant, Autosomal Recessive and X-Linked Classification Criteria (2023). Collection method: clinical testing. Allele origin: unknown.
Comment: This variant is considered benign. This variant is a silent/synonymous amino acid change and it is not expected to impact splicing.

All of Us Research Program, National Institutes of Health
Classification: Likely benign for Lynch syndrome. Last evaluated: 2024-05-14. Review status: criteria provided, single submitter. Criteria: ACMG Guidelines, 2015. Collection method: clinical testing. Allele origin: germline. Inheritance: Autosomal dominant inheritance. Observed: 2 variant alleles, 2 heterozygotes.
Comment: This study involves interpretation of variants in research participants for the purpose of population health screening. Participant phenotype was not available at the time of variant classification. Additional details can be found in publication PMID: 35346344, PMCID: PMC8962531

Blueprint Genetics
Classification: Likely benign. Last evaluated: 2023-08-10. Review status: criteria provided, single submitter. Criteria: ACMG Guidelines, 2015. Collection method: clinical testing. Allele origin: germline.

Quest Diagnostics Nichols Institute San Juan Capistrano
Classification: Likely benign. Last evaluated: 2020-12-16. Review status: criteria provided, single submitter. Criteria: Quest Diagnostics criteria. Collection method: clinical testing. Allele origin: unknown.

Women's Health and Genetics/Laboratory Corporation of America, LabCorp
Classification: Likely benign. Last evaluated: 2019-08-29. Review status: criteria provided, single submitter. Criteria: LabCorp Variant Classification Summary - May 2015. Collection method: clinical testing. Allele origin: germline.

GeneDx
Classification: Likely benign. Last evaluated: 2018-01-30. Review status: criteria provided, single submitter. Criteria: GeneDx Variant Classification (06012015). Collection method: clinical testing. Allele origin: germline. Affected: yes.
Comment: This variant is considered likely benign or benign based on one or more of the following criteria: it is a conservative change, it occurs at a poorly conserved position in the protein, it is predicted to be benign by multiple in silico algorithms, and/or has population frequency not consistent with disease.

Color Diagnostics, LLC DBA Color Health
Classification: Likely benign for Hereditary cancer-predisposing syndrome. Last evaluated: 2017-05-22. Review status: criteria provided, single submitter. Criteria: ACMG Guidelines, 2015. Collection method: clinical testing. Allele origin: germline.

Ambry Genetics
Classification: Likely benign for Hereditary cancer-predisposing syndrome. Last evaluated: 2015-03-07. Review status: criteria provided, single submitter. Criteria: Ambry Variant Classification Scheme 2023. Collection method: clinical testing. Allele origin: germline.

NM_000179.3(MSH6):c.2725T>C (p.Leu909=)

Gene: MSH6 (mutS homolog 6; plus strand). Cytogenetic location: 2p16.3.
Variant type: single nucleotide variant.
Coding change: c.2725T>C on transcript NM_000179.3 (MANE Select); coding-DNA position 2725, T replaced by C.
Protein change: p.Leu909=; no amino-acid change (leucine 909 retained).
Molecular consequence: synonymous variant.
Genome position (GRCh38, 1-based): chr2:47,800,708, T>C. VCF-style: chr2-47800708-T-C. GRCh37 (hg19) VCF-style: chr2-48027847-T-C.
Other names: c.2335T>C, p.Leu779= (NM_001281492.2); c.1819T>C, p.Leu607= (NM_001281493.2, NM_001281494.2).
Identifiers: ClinVar variation 232470 (VCV000232470.28), dbSNP rs876659785, ClinGen allele CA10578115.